The following is an entry in ClinVar:

NM_020949.3(SLC7A14):c.2226G>A (p.Arg742=)

Gene: SLC7A14 (solute carrier family 7 member 14; minus strand). Cytogenetic location: 3q26.2.
Variant type: single nucleotide variant.
Coding change: c.2226G>A on transcript NM_020949.3 (MANE Select); coding-DNA position 2226, G replaced by A.
Protein change: p.Arg742=; no amino-acid change (arginine 742 retained).
Molecular consequence: synonymous variant.
Genome position (GRCh38, 1-based): chr3:170,467,145, C>T on the plus strand (G>A on the coding strand, the complement: SLC7A14 is on the minus strand). VCF-style: chr3-170467145-C-T. GRCh37 (hg19) VCF-style: chr3-170184933-C-T.
Identifiers: ClinVar variation 780032 (VCV000780032.37), dbSNP rs111687384, ClinGen allele CA2701476.

ClinVar aggregate classification (germline): Benign/Likely benign. Review status: criteria provided, multiple submitters, no conflicts (2 of 4 stars). 5 submissions from 5 submitters: Benign (2); Likely benign (1). 2 of the submissions do not count toward it. Last evaluated 2026-08-01.

Allele frequency attached by ClinVar (database versions not stated): 1000 Genomes Project 30x 0.00172; 1000 Genomes Project 0.00180; ESP Exome Variant Server 0.00431; TOPMed 0.00486; gnomAD 0.00542 and 0.00575; gnomAD exomes 0.00586; ExAC 0.00634.
gnomAD v4.1: 9,158 of 1,614,250 alleles (0.57%); highest among the groups gnomAD compares: Non-Finnish European, 0.64%; 40 homozygotes.

Submissions (5):

CeGaT Center for Human Genetics Tuebingen
Classification: Likely benign. Last evaluated: 2026-08-01. Review status: criteria provided, single submitter. Criteria: CeGaT Center For Human Genetics Tuebingen Variant Classification Criteria Version 2. Collection method: clinical testing. Allele origin: germline. Affected: yes. Observed: 10 variant alleles.
Comment: SLC7A14: BP4, BS2

Labcorp Genetics (formerly Invitae), Labcorp
Classification: Benign. Last evaluated: 2026-01-27. Review status: criteria provided, single submitter. Criteria: Invitae Variant Classification Sherloc (09022015). Collection method: clinical testing. Allele origin: germline.

Breakthrough Genomics
Classification: Benign. Review status: criteria provided, single submitter. Criteria: ACMG Guidelines, 2015. Collection method: not provided. Allele origin: germline. Inheritance: Autosomal recessive inheritance. Affected: yes.

Clinical Genetics DNA and cytogenetics Diagnostics Lab, Erasmus MC, Erasmus Medical Center
Classification: Likely benign. Review status: no assertion criteria provided. Collection method: clinical testing. Allele origin: germline. Affected: yes. Study: VKGL Data-share Consensus. Not counted in ClinVar's aggregate classification.

Clinical Genetics, Academic Medical Center
Classification: Benign. Review status: no assertion criteria provided. Collection method: clinical testing. Allele origin: germline. Affected: yes. Study: VKGL Data-share Consensus. Not counted in ClinVar's aggregate classification.